The following is an entry in ClinVar:

ClinVar aggregate classification (germline): Uncertain significance. Review status: criteria provided, multiple submitters, no conflicts (2 of 4 stars). 3 submissions from 3 submitters: Uncertain significance (3). Last evaluated 2025-04-13.

Conditions:
Cryopyrin associated periodic syndrome (CAPS). Identifiers: Orphanet 208650, MedGen C2316212, MONDO:0016168.

Allele frequency attached by ClinVar (database versions not stated): TOPMed 0.00001; gnomAD exomes 0.00002 and below 0.00001; gnomAD 0.00001.
gnomAD v4.1: 25 of 1,614,060 alleles (0.0015%); highest among the groups gnomAD compares: African/African-American, 0.0027%; no homozygotes.

Submissions (3):

Labcorp Genetics (formerly Invitae), Labcorp
Classification: Uncertain significance for Cryopyrin associated periodic syndrome. Last evaluated: 2025-04-13. Review status: criteria provided, single submitter. Criteria: Invitae Variant Classification Sherloc (09022015). Collection method: clinical testing. Allele origin: germline.
Comment: This sequence change replaces valine, which is neutral and non-polar, with methionine, which is neutral and non-polar, at codon 558 of the NLRP3 protein (p.Val558Met). This variant is present in population databases (rs199637520, gnomAD 0.0009%). This missense change has been observed in individual(s) with clinical features of NLRP3-related conditions (PMID: 36515421). ClinVar contains an entry for this variant (Variation ID: 660895). An algorithm developed to predict the effect of missense changes on protein structure and function outputs the following: PolyPhen-2: "Benign". The methionine amino acid residue is found in multiple mammalian species, which suggests that this missense change does not adversely affect protein function. In summary, the available evidence is currently insufficient to determine the role of this variant in disease. Therefore, it has been classified as a Variant of Uncertain Significance.

Blueprint Genetics
Classification: Uncertain significance. Last evaluated: 2023-12-07. Review status: criteria provided, single submitter. Criteria: ACMG Guidelines, 2015. Collection method: clinical testing. Allele origin: germline.

GeneDx
Classification: Uncertain significance. Last evaluated: 2021-06-10. Review status: criteria provided, single submitter. Criteria: GeneDx Variant Classification Process June 2021. Collection method: clinical testing. Allele origin: germline. Affected: yes.
Comment: Not observed at significant frequency in large population cohorts (Lek et al., 2016); In silico analysis supports that this missense variant does not alter protein structure/function; Has not been previously published as pathogenic or benign to our knowledge; This variant is associated with the following publications: (PMID: 27535533)

Literature cited by the submitters: PubMed 36515421 (cited by Labcorp Genetics (formerly Invitae), Labcorp).

NM_001243133.2(NLRP3):c.1666G>A (p.Val556Met)

Gene: NLRP3 (NLR family pyrin domain containing 3; plus strand). Cytogenetic location: 1q44.
Variant type: single nucleotide variant.
Coding change: c.1666G>A on transcript NM_001243133.2 (MANE Select); coding-DNA position 1666, G replaced by A.
Protein change: p.Val556Met; replaces valine 556 with methionine.
Molecular consequence: missense variant.
Genome position (GRCh38, 1-based): chr1:247,425,115, G>A. VCF-style: chr1-247425115-G-A. GRCh37 (hg19) VCF-style: chr1-247588417-G-A.
Other names: c.1666G>A, p.Val556Met (NM_001079821.3, NM_001127461.3, NM_001127462.3 and 1 more transcripts); c.1672G>A, p.Val558Met (NM_004895.5); short protein forms V556M, V558M.
Identifiers: ClinVar variation 660895 (VCV000660895.11), dbSNP rs199637520, ClinGen allele CA40692061.